The following is an entry in ClinVar:

ClinVar aggregate classification (germline): Uncertain significance (1 of 4 stars; one submission).

Conditions:
Inborn genetic diseases. Identifiers: MedGen C0950123, MeSH D030342.

gnomAD v4.1: 2 of 1,610,344 alleles (0.00012%); highest among the groups gnomAD compares: East Asian, 0.0045%; no homozygotes.

Submission:

Ambry Genetics
Classification: Uncertain significance for Inborn genetic diseases. Last evaluated: 2021-07-14. Review status: criteria provided, single submitter. Criteria: Ambry Variant Classification Scheme 2023. Collection method: clinical testing. Allele origin: germline.
Comment: The p.M211I variant (also known as c.633G>T), located in coding exon 4 of the ATR gene, results from a G to T substitution at nucleotide position 633. The methionine at codon 211 is replaced by isoleucine, an amino acid with highly similar properties. This amino acid position is conserved. In addition, this alteration is predicted to be tolerated by in silico analysis. Since supporting evidence is limited at this time, the clinical significance of this alteration remains unclear.

NM_001184.4(ATR):c.633G>T (p.Met211Ile)

Gene: ATR (ATR checkpoint kinase; minus strand). Cytogenetic location: 3q23.
Variant type: single nucleotide variant.
Coding change: c.633G>T on transcript NM_001184.4 (MANE Select); coding-DNA position 633, G replaced by T.
Protein change: p.Met211Ile; replaces methionine 211 with isoleucine.
Molecular consequence: missense variant.
Genome position (GRCh38, 1-based): chr3:142,562,769, C>A on the plus strand (G>T on the coding strand, the complement: ATR is on the minus strand). VCF-style: chr3-142562769-C-A. GRCh37 (hg19) VCF-style: chr3-142281611-C-A.
Other names: c.633G>T, p.Met211Ile (NM_001354579.2); short protein forms M211I.
Identifiers: ClinVar variation 1752955 (VCV001752955.2), dbSNP rs944345426, ClinGen allele CA354826187.
Genomic context (GRCh38, chr3:142,562,769, plus strand): 5'-CTGCCAAAGTAAGAGTTCTTGCCTTCTAAAAAACACAATTGCAATAATACGAGTAAGAAC[C>A]ATTAATAAAGTGACTTCAATAAATTCTAAATTTTGCATACTCATCAACTGCAAAGGAGCT-3'
Protein context (NP_001175.2, residues 201-221): NLEFIEVTLL[Met211Ile]VLTRIIAIVF